The following is an entry in ClinVar:

ClinVar aggregate classification (germline): Uncertain significance (1 of 4 stars; one submission).

gnomAD v4.1: 9 of 1,520,564 alleles (0.00059%); highest among the groups gnomAD compares: Admixed American, 0.0021%; no homozygotes.

Submission:

Labcorp Genetics (formerly Invitae), Labcorp
Classification: Uncertain significance. Last evaluated: 2024-10-28. Review status: criteria provided, single submitter. Criteria: Invitae Variant Classification Sherloc (09022015). Collection method: clinical testing. Allele origin: germline.
Comment: This sequence change replaces arginine, which is basic and polar, with tryptophan, which is neutral and slightly polar, at codon 769 of the CACNA1E protein (p.Arg769Trp). This variant is not present in population databases (gnomAD no frequency). This variant has not been reported in the literature in individuals affected with CACNA1E-related conditions. Invitae Evidence Modeling of protein sequence and biophysical properties (such as structural, functional, and spatial information, amino acid conservation, physicochemical variation, residue mobility, and thermodynamic stability) has been performed for this missense variant. However, the output from this modeling did not meet the statistical confidence thresholds required to predict the impact of this variant on CACNA1E protein function. In summary, the available evidence is currently insufficient to determine the role of this variant in disease. Therefore, it has been classified as a Variant of Uncertain Significance.

NM_001205293.3(CACNA1E):c.2305C>T (p.Arg769Trp)

Gene: CACNA1E (calcium voltage-gated channel subunit alpha1 E; plus strand). Cytogenetic location: 1q25.3.
Variant type: single nucleotide variant.
Coding change: c.2305C>T on transcript NM_001205293.3 (MANE Select); coding-DNA position 2305, C replaced by T.
Protein change: p.Arg769Trp; replaces arginine 769 with tryptophan.
Molecular consequence: missense variant.
Genome position (GRCh38, 1-based): chr1:181,732,391, C>T. VCF-style: chr1-181732391-C-T. GRCh37 (hg19) VCF-style: chr1-181701527-C-T.
Other names: c.2305C>T, p.Arg769Trp (NM_000721.4); c.2248C>T, p.Arg750Trp (NM_001205294.2); short protein forms R750W, R769W.
Identifiers: ClinVar variation 3621539 (VCV003621539.2).